The following is an entry in ClinVar:

ClinVar aggregate classification (germline): Likely benign (1 of 4 stars; one submission).

Submission:

CeGaT Center for Human Genetics Tuebingen
Classification: Likely benign. Last evaluated: 2024-01-01. Review status: criteria provided, single submitter. Criteria: CeGaT Center For Human Genetics Tuebingen Variant Classification Criteria Version 2. Collection method: clinical testing. Allele origin: germline. Affected: yes. Observed: 1 variant allele.
Comment: WASH6P: BS2

NC_000023.11:g.156025065C>T

Variant type: single nucleotide variant.
Genome position: GRCh38 VCF-style: chrX-156025065-C-T. GRCh37 (hg19) VCF-style: chrX-155254730-C-T.
Identifiers: ClinVar variation 3026862 (VCV003026862.22), dbSNP rs772298164, ClinGen allele CA10571062.